The following is an entry in ClinVar:

NM_015335.5(MED13L):c.4147C>T (p.Pro1383Ser)

Gene: MED13L (mediator complex subunit 13L; minus strand). Cytogenetic location: 12q24.21.
Variant type: single nucleotide variant.
Coding change: c.4147C>T on transcript NM_015335.5 (MANE Select); coding-DNA position 4147, C replaced by T.
Protein change: p.Pro1383Ser; replaces proline 1383 with serine.
Molecular consequence: missense variant.
Genome position (GRCh38, 1-based): chr12:115,986,457, G>A on the plus strand (C>T on the coding strand, the complement: MED13L is on the minus strand). VCF-style: chr12-115986457-G-A. GRCh37 (hg19) VCF-style: chr12-116424262-G-A.
Other names: short protein forms P1383S.
Identifiers: ClinVar variation 2613316 (VCV002613316.2), dbSNP rs2499839734, ClinGen allele CA386884738.

ClinVar aggregate classification (germline): Uncertain significance (1 of 4 stars; one submission).

Conditions:
Inborn genetic diseases. Identifiers: MedGen C0950123, MeSH D030342.

Submission:

Ambry Genetics
Classification: Uncertain significance for Inborn genetic diseases. Last evaluated: 2023-08-17. Review status: criteria provided, single submitter. Criteria: Ambry Variant Classification Scheme 2023. Collection method: clinical testing. Allele origin: germline.
Comment: The c.4147C>T (p.P1383S) alteration is located in exon 19 (coding exon 19) of the MED13L gene. This alteration results from a C to T substitution at nucleotide position 4147, causing the proline (P) at amino acid position 1383 to be replaced by a serine (S). This variant was not reported in population-based cohorts in the Genome Aggregation Database (gnomAD). This amino acid position is highly conserved in available vertebrate species. This alteration is predicted to be deleterious by in silico analysis. Based on insufficient or conflicting evidence, the clinical significance of this alteration remains unclear.